The following is an entry in ClinVar:

ClinVar aggregate classification (germline): Uncertain significance (1 of 4 stars; one submission).

Conditions:
Familial adenomatous polyposis 1 (FAP1). Also called: POLYPOSIS, ADENOMATOUS INTESTINAL; FAMILIAL ADENOMATOUS POLYPOSIS 1, ATTENUATED. Identifiers: MedGen C2713442, MONDO:0021056, OMIM 175100. Disease mechanism: loss of function.

Submission:

Labcorp Genetics (formerly Invitae), Labcorp
Classification: Uncertain significance for Familial adenomatous polyposis 1. Last evaluated: 2022-12-29. Review status: criteria provided, single submitter. Criteria: Invitae Variant Classification Sherloc (09022015). Collection method: clinical testing. Allele origin: germline.
Comment: In summary, the available evidence is currently insufficient to determine the role of this variant in disease. Therefore, it has been classified as a Variant of Uncertain Significance. Advanced modeling of protein sequence and biophysical properties (such as structural, functional, and spatial information, amino acid conservation, physicochemical variation, residue mobility, and thermodynamic stability) performed at Invitae indicates that this missense variant is not expected to disrupt APC protein function. This variant has not been reported in the literature in individuals affected with APC-related conditions. This variant is not present in population databases (gnomAD no frequency). This sequence change replaces isoleucine, which is neutral and non-polar, with phenylalanine, which is neutral and non-polar, at codon 1187 of the APC protein (p.Ile1187Phe).

NM_000038.6(APC):c.3559A>T (p.Ile1187Phe)

Gene: APC (APC regulator of Wnt signaling pathway; plus strand). Cytogenetic location: 5q22.2.
Variant type: single nucleotide variant.
Coding change: c.3559A>T on transcript NM_000038.6 (MANE Select); coding-DNA position 3559, A replaced by T.
Protein change: p.Ile1187Phe; replaces isoleucine 1187 with phenylalanine.
Molecular consequence: missense variant. On other transcripts: non-coding transcript variant (2).
Genome position (GRCh38, 1-based): chr5:112,839,153, A>T. VCF-style: chr5-112839153-A-T. GRCh37 (hg19) VCF-style: chr5-112174850-A-T.
Other names: c.3286A>T, p.Ile1096Phe (NM_001354902.2); c.3256A>T, p.Ile1086Phe (NM_001354903.2, NM_001407458.1, NM_001407459.1 and 1 more transcripts); c.3181A>T, p.Ile1061Phe (NM_001354904.2); c.3079A>T, p.Ile1027Phe (NM_001354905.2); c.2710A>T, p.Ile904Phe (NM_001354906.2, NM_001407470.1); c.3643A>T, p.Ile1215Phe (NM_001407446.1); c.3613A>T, p.Ile1205Phe (NM_001407447.1, NM_001407448.1, NM_001407449.1 and 1 more transcripts); c.3559A>T, p.Ile1187Phe (NM_001407450.1, NM_001127510.3, NM_001354895.2); and 11 more; short protein forms I1061F, I1096F, I1128F, I1146F, I1169F, I1187F, I1215F, I1086F.
Identifiers: ClinVar variation 2824851 (VCV002824851.3), dbSNP rs1554085107, ClinGen allele CA16029154.
Genomic context (GRCh38, chr5:112,839,153, plus strand): 5'-AATGAAGAGAAACGTCATGTGGATCAGCCTATTGATTATAGTTTAAAATATGCCACAGAT[A>T]TTCCTTCATCACAGAAACAGTCATTTTCATTCTCAAAGAGTTCATCTGGACAAAGCAGTA-3'
Protein context (NP_000029.2, residues 1177-1197): IDYSLKYATD[Ile1187Phe]PSSQKQSFSF